The following is an entry in ClinVar:

NM_000142.5(FGFR3):c.615+5G>A

Gene: FGFR3 (fibroblast growth factor receptor 3; plus strand). Cytogenetic location: 4p16.3.
Variant type: single nucleotide variant.
Coding change: c.615+5G>A on transcript NM_000142.5 (MANE Select); 5 bases into the intron after coding-DNA position 615, G replaced by A.
Molecular consequence: intron variant.
Genome position (GRCh38, 1-based): chr4:1,801,541, G>A. VCF-style: chr4-1801541-G-A. GRCh37 (hg19) VCF-style: chr4-1803268-G-A.
Other names: c.615+5G>A (NM_001163213.2, NM_001354809.2, NM_001354810.2 and 1 more transcripts).
Identifiers: ClinVar variation 4813884 (VCV004813884.1).

ClinVar aggregate classification (germline): Uncertain significance (1 of 4 stars; one submission).

Submission:

GeneDx
Classification: Uncertain significance. Last evaluated: 2025-09-23. Review status: criteria provided, single submitter. Criteria: GeneDx Variant Classification Process June 2021. Collection method: clinical testing. Allele origin: germline. Affected: yes.
Comment: Not observed at significant frequency in large population cohorts (gnomAD); Has not been previously published as pathogenic or benign to our knowledge; In silico analysis is inconclusive as to whether the variant alters gene splicing. In the absence of RNA/functional studies, the actual effect of this sequence change is unknown.